The following is an entry in ClinVar:

NM_052859.4(RFT1):c.382C>T (p.Leu128Phe)

Gene: RFT1 (RFT1 glycolipid translocator homolog; minus strand). Cytogenetic location: 3p21.1.
Variant type: single nucleotide variant.
Coding change: c.382C>T on transcript NM_052859.4 (MANE Select); coding-DNA position 382, C replaced by T.
Protein change: p.Leu128Phe; replaces leucine 128 with phenylalanine.
Molecular consequence: missense variant.
Genome position (GRCh38, 1-based): chr3:53,122,448, G>A on the plus strand (C>T on the coding strand, the complement: RFT1 is on the minus strand). VCF-style: chr3-53122448-G-A. GRCh37 (hg19) VCF-style: chr3-53156464-G-A.
Other names: short protein forms L128F.
Identifiers: ClinVar variation 96247 (VCV000096247.18), dbSNP rs140127085, ClinGen allele CA223864.

ClinVar aggregate classification (germline): Conflicting classifications of pathogenicity. Review status: criteria provided, conflicting classifications (1 of 4 stars). 4 submissions from 4 submitters: Uncertain significance (1); Likely benign (3). Last evaluated 2026-01-24.

Conditions:
RFT1-congenital disorder of glycosylation (CDG1N). Also called: CDG In; Congenital disorder of glycosylation type In; RFT1-CDG. Identifiers: Orphanet 244310, MedGen C2677590, MONDO:0012783, OMIM 612015.

Allele frequency attached by ClinVar (database versions not stated): 1000 Genomes Project 0.00120; gnomAD 0.00197 and 0.00219; TOPMed 0.00241; ESP Exome Variant Server 0.00246; 1000 Genomes Project 30x 0.00109.
gnomAD v4.1: 583 of 1,614,010 alleles (0.036%); highest among the groups gnomAD compares: African/African-American, 0.66%; 2 homozygotes.

Submissions (4):

Labcorp Genetics (formerly Invitae), Labcorp
Classification: Likely benign for RFT1-congenital disorder of glycosylation. Last evaluated: 2026-01-24. Review status: criteria provided, single submitter. Criteria: Invitae Variant Classification Sherloc (09022015). Collection method: clinical testing. Allele origin: germline.

ARUP Laboratories, Molecular Genetics and Genomics, ARUP Laboratories
Classification: Likely benign for RFT1-congenital disorder of glycosylation. Last evaluated: 2024-06-28. Review status: criteria provided, single submitter. Criteria: ARUP Molecular Germline Variant Investigation Process 2024. Collection method: clinical testing. Allele origin: germline.

GeneDx
Classification: Likely benign. Last evaluated: 2019-11-03. Review status: criteria provided, single submitter. Criteria: GeneDx Variant Classification Process June 2021. Collection method: clinical testing. Allele origin: germline. Affected: yes.
Comment: In silico analysis, which includes protein predictors and evolutionary conservation, supports that this variant does not alter protein structure/function; Identified in an individual with congenital disorder of glycosylation, although it is not specified if this variant was in the heterozygous or homozygous state, or in the presence of a second RFT1 variant (Jones et al., 2013); This variant is associated with the following publications: (PMID: 23806237)

Eurofins Ntd Llc (ga)
Classification: Uncertain significance. Last evaluated: 2012-07-26. Review status: criteria provided, single submitter. Criteria: EGL Classification Definitions 2015. Collection method: clinical testing. Allele origin: germline. Observed: 1 variant allele, 1 heterozygote.